The following is an entry in ClinVar:

NM_014875.3(KIF14):c.4677T>C (p.Tyr1559=)

Gene: KIF14 (kinesin family member 14; minus strand). Cytogenetic location: 1q32.1.
Variant type: single nucleotide variant.
Coding change: c.4677T>C on transcript NM_014875.3 (MANE Select); coding-DNA position 4677, T replaced by C.
Protein change: p.Tyr1559=; no amino-acid change (tyrosine 1559 retained).
Molecular consequence: synonymous variant.
Genome position (GRCh38, 1-based): chr1:200,553,658, A>G on the plus strand (T>C on the coding strand, the complement: KIF14 is on the minus strand). VCF-style: chr1-200553658-A-G. GRCh37 (hg19) VCF-style: chr1-200522786-A-G.
Other names: c.3204T>C, p.Tyr1068= (NM_001305792.1).
Identifiers: ClinVar variation 2639716 (VCV002639716.24), dbSNP rs768837535, ClinGen allele CA1316936.

ClinVar aggregate classification (germline): Uncertain significance (1 of 4 stars; one submission).

Allele frequency attached by ClinVar (database versions not stated): ExAC 0.00001.
gnomAD v4.1: 1 of 1,614,128 alleles (0.000062%); highest among the groups gnomAD compares: Non-Finnish European, 0.000085%; no homozygotes.

Submission:

CeGaT Center for Human Genetics Tuebingen
Classification: Uncertain significance. Last evaluated: 2022-08-01. Review status: criteria provided, single submitter. Criteria: CeGaT Center For Human Genetics Tuebingen Variant Classification Criteria Version 2. Collection method: clinical testing. Allele origin: germline. Affected: yes. Observed: 1 variant allele.
Comment: KIF14: PM2, BP4, BP7